The following is an entry in ClinVar:

ClinVar aggregate classification (germline): Likely pathogenic. Review status: criteria provided, multiple submitters, no conflicts (2 of 4 stars). 2 submissions from 2 submitters: Likely pathogenic (2). Last evaluated 2022-04-15.

Conditions:
Charlevoix-Saguenay spastic ataxia (SACS). Also called: AUTOSOMAL RECESSIVE SPASTIC ATAXIA OF CHARLEVOIX-SAGUENAY; Spastic ataxia of Charlevoix-Saguenay; SPASTIC ATAXIA 6, AUTOSOMAL RECESSIVE. Identifiers: Orphanet 98, MedGen C1849140, MONDO:0010041, OMIM 270550.

Submissions (2):

Baylor Genetics
Classification: Likely pathogenic for Charlevoix-Saguenay spastic ataxia. Last evaluated: 2022-04-15. Review status: criteria provided, single submitter. Criteria: ACMG Guidelines, 2015. Collection method: clinical testing. Allele origin: unknown.

3billion
Classification: Likely pathogenic for Charlevoix-Saguenay spastic ataxia. Last evaluated: 2022-01-03. Review status: criteria provided, single submitter. Criteria: ACMG Guidelines, 2015. Collection method: clinical testing. Allele origin: germline. Affected: yes. Observed: 1 homozygote.
Comment: Frameshift: predicted to result in a loss or disruption of normal protein function through protein truncation. The predicted truncated protein may be shortened by more than 10% (PVS1_S). It is not observed in the gnomAD v2.1.1 dataset (PM2_M). Therefore, this variant is classified as likely pathogenic according to the recommendation of ACMG/AMP guideline.

NM_014363.6(SACS):c.9879del (p.Val3294fs)

Gene: SACS (sacsin molecular chaperone; minus strand). Cytogenetic location: 13q12.12.
Variant type: Deletion.
Coding change: c.9879del on transcript NM_014363.6 (MANE Select); coding-DNA position 9879, one base deleted (T; older notation c.9879delT).
Protein change: p.Val3294fs; shifts the reading frame from valine 3294.
Molecular consequence: frameshift variant.
Genome position (GRCh38, 1-based): chr13:23,333,997, A deleted on the plus strand (T on the coding strand, the reverse complement: SACS is on the minus strand); the first of 2 consecutive A bases (chr13:23,333,997-23,333,998); deleting either gives the same sequence. VCF-style (leftmost placement, unchanged base first): chr13-23333996-CA-C. GRCh37 (hg19) VCF-style: chr13-23908135-CA-C.
Other names: c.9438del, p.Val3147fs (NM_001278055.2); short protein forms V3147fs, V3294fs.
Identifiers: ClinVar variation 1333330 (VCV001333330.2), dbSNP rs2137580025, ClinGen allele CA2573053790.